The following is an entry in ClinVar:

NM_004415.4(DSP):c.1007_1008del (p.Leu336fs)

Gene: DSP (desmoplakin; plus strand). Cytogenetic location: 6p24.3.
Variant type: Deletion.
Coding change: c.1007_1008del on transcript NM_004415.4 (MANE Select); coding-DNA positions 1007 to 1008, 2 bases deleted (TT; older notation c.1007_1008delTT).
Protein change: p.Leu336fs; shifts the reading frame from leucine 336.
Molecular consequence: frameshift variant.
Genome position (GRCh38, 1-based): chr6:7,566,444-7,566,445, TT deleted. VCF-style (leftmost placement, unchanged base first): chr6-7566443-CTT-C. GRCh37 (hg19) VCF-style: chr6-7566676-CTT-C.
Other names: c.1007_1008del, p.Leu336fs (NM_001008844.3, NM_001319034.2, NM_001406591.1); short protein forms L336fs.
Identifiers: ClinVar variation 4879822 (VCV004879822.1).

ClinVar aggregate classification (germline): Pathogenic (1 of 4 stars; one submission).

Conditions:
Arrhythmogenic cardiomyopathy with wooly hair and keratoderma. Also called: Arrhythmogenic cardiomyopathy with woolly hair and keratoderma; PALMOPLANTAR KERATODERMA WITH LEFT VENTRICULAR CARDIOMYOPATHY AND WOOLLY HAIR; Carvajal syndrome; Dilated cardiomyopathy with woolly hair and keratoderma. Identifiers: Orphanet 65282, MedGen C1854063, MONDO:0011581, OMIM 605676.

Submission:

Victorian Clinical Genetics Services, Murdoch Childrens Research Institute
Classification: Pathogenic for Arrhythmogenic cardiomyopathy with wooly hair and keratoderma. Last evaluated: 2026-06-09. Review status: criteria provided, single submitter. Criteria: ACMG Guidelines, 2015. Collection method: clinical testing. Allele origin: germline. Affected: yes.
Comment: This variant is classified as Pathogenic. Evidence in support of pathogenic classification: Variant is predicted to cause nonsense-mediated decay (NMD) and loss of protein (premature termination codon is located at least 54 nucleotides upstream of the final exon-exon junction); Variant is absent from gnomAD (v2, v3 and v4); Other NMD-predicted variant(s) comparable to the one identified in this case have very strong previous evidence for pathogenicity (DECIPHER). Additional information: This variant is heterozygous; This gene is associated with both recessive and dominant disease. Variants in this gene are usually inherited in a dominant manner; however there are rare reports of recessive inheritance resulting in a more severe cardiac phenotype (OMIM); This variant has no previous evidence of pathogenicity; No published evidence of segregation with disease has been identified for this variant; No published functional evidence has been identified for this variant; Loss of function is a known mechanism of disease in this gene and is associated with arrhythmogenic cardiomyoathy (MONDO:0011581) and other DSP-related cardiac disorders; The condition associated with this gene has incomplete penetrance. In families with cardiomyopathies, reduced penetrance has been reported among family members aged 60-86 years (PMID: 36580316); Variants in this gene are known to have variable expressivity. Age-dependent penetrance and variable expressivity are well-described aspects of arrhythmogenic cardiomyopathy (PMID: 29062697); Inheritance information for this variant is not currently available in this individual.

Literature cited by the submitters: PubMed 29062697; PubMed 36580316.